The following is an entry in ClinVar:

NM_001008723.2(CFAP58):c.2348C>T (p.Thr783Met)

Gene: CFAP58 (cilia and flagella associated protein 58; plus strand). Cytogenetic location: 10q25.1.
Variant type: single nucleotide variant.
Coding change: c.2348C>T on transcript NM_001008723.2 (MANE Select); coding-DNA position 2348, C replaced by T.
Protein change: p.Thr783Met; replaces threonine 783 with methionine.
Molecular consequence: missense variant.
Genome position (GRCh38, 1-based): chr10:104,447,789, C>T. VCF-style: chr10-104447789-C-T. GRCh37 (hg19) VCF-style: chr10-106207547-C-T.
Other names: c.2294C>T, p.Thr765Met (NM_001400226.1, NM_001400227.1); short protein forms T765M, T783M.
Identifiers: ClinVar variation 2634442 (VCV002634442.2), dbSNP rs140537135, ClinGen allele CA5683151.
Genomic context (GRCh38, chr10:104,447,789, plus strand): 5'-ACGTCTTGGCCCGCCAGCCTGGACCTGAGGCTGCGGAACAGCTGAAGCTGTACCGACGCA[C>T]GCTGCATGACAAGAAGCAGCAGCTGAAAGTAAGTGGTAGCCCCTGTTCCTTCCGGGTTCC-3'
Protein context (NP_001008723.1, residues 773-793): AAEQLKLYRR[Thr783Met]LHDKKQQLKV

ClinVar aggregate classification (germline): Uncertain significance. Review status: criteria provided, multiple submitters, no conflicts (2 of 4 stars). 2 submissions from 2 submitters: Uncertain significance (2). Last evaluated 2024-11-24.

Conditions:
CFAP58-related disorder. Also called: CFAP58-related condition.

Allele frequency attached by ClinVar (database versions not stated): gnomAD 0.00002; TOPMed 0.00005; ExAC 0.00008; ESP Exome Variant Server 0.00008.
gnomAD v4.1: 53 of 1,613,688 alleles (0.0033%); highest among the groups gnomAD compares: Middle Eastern, 0.21%; 1 homozygote.

Submissions (2):

Ambry Genetics
Classification: Uncertain significance. Last evaluated: 2024-11-24. Review status: criteria provided, single submitter. Criteria: Ambry Variant Classification Scheme 2023. Collection method: clinical testing. Allele origin: germline.

PreventionGenetics, part of Exact Sciences
Classification: Uncertain significance for CFAP58-related condition. Last evaluated: 2023-05-15. Review status: criteria provided, single submitter. Criteria: ACMG Guidelines, 2015. Collection method: clinical testing. Allele origin: germline.
Comment: The CFAP58 c.2348C>T variant is predicted to result in the amino acid substitution p.Thr783Met. To our knowledge, this variant has not been reported in the literature. This variant is reported in 0.011% of alleles in individuals of European (Non-Finnish) descent in gnomAD. At this time, the clinical significance of this variant is uncertain due to the absence of conclusive functional and genetic evidence.